The following is an entry in ClinVar:

ClinVar aggregate classification (germline): Uncertain significance (1 of 4 stars; one submission).

Conditions:
Inborn genetic diseases. Identifiers: MedGen C0950123, MeSH D030342.

Submission:

Ambry Genetics
Classification: Uncertain significance for Inborn genetic diseases. Last evaluated: 2026-08-20. Review status: criteria provided, single submitter. Criteria: Ambry Variant Classification Scheme 2023. Collection method: clinical testing. Allele origin: germline.
Comment: The p.E103K variant (also known as c.307G>A), located in coding exon 4 of the DDX41 gene, results from a G to A substitution at nucleotide position 307. The glutamic acid at codon 103 is replaced by lysine, an amino acid with similar properties. This amino acid position is conserved. In addition, this alteration is predicted to be tolerated by in silico analysis. Based on the available evidence, the clinical significance of this variant remains unclear.

NM_016222.4(DDX41):c.307G>A (p.Glu103Lys)

Gene: DDX41 (DEAD-box helicase 41; minus strand). Cytogenetic location: 5q35.3.
Variant type: single nucleotide variant.
Coding change: c.307G>A on transcript NM_016222.4 (MANE Select); coding-DNA position 307, G replaced by A.
Protein change: p.Glu103Lys; replaces glutamic acid 103 with lysine.
Molecular consequence: missense variant. On other transcripts: 5 prime UTR variant (2).
Genome position (GRCh38, 1-based): chr5:177,516,185, C>T on the plus strand (G>A on the coding strand, the complement: DDX41 is on the minus strand). VCF-style: chr5-177516185-C-T. GRCh37 (hg19) VCF-style: chr5-176943186-C-T.
Other names: c.-72G>A (NM_001321732.2, NM_001321830.2); short protein forms E103K.
Identifiers: ClinVar variation 4238836 (VCV004238836.2).